The following is an entry in ClinVar:

ClinVar aggregate classification (germline): Uncertain significance. Review status: criteria provided, multiple submitters, no conflicts (2 of 4 stars). 2 submissions from 2 submitters: Uncertain significance (2). Last evaluated 2025-01-10.

gnomAD v4.1: 59 of 1,603,292 alleles (0.0037%); highest among the groups gnomAD compares: African/African-American, 0.0054%; no homozygotes.

Submissions (2):

Ambry Genetics
Classification: Uncertain significance. Last evaluated: 2025-01-10. Review status: criteria provided, single submitter. Criteria: Ambry Variant Classification Scheme 2023. Collection method: clinical testing. Allele origin: germline.

GeneDx
Classification: Uncertain significance. Last evaluated: 2024-02-13. Review status: criteria provided, single submitter. Criteria: GeneDx Variant Classification Process June 2021. Collection method: clinical testing. Allele origin: germline. Affected: yes.
Comment: In silico analysis supports that this missense variant does not alter protein structure/function; Has not been previously published as pathogenic or benign to our knowledge

NM_001012759.3(CTU2):c.647C>T (p.Pro216Leu)

Gene: CTU2 (cytosolic thiouridylase subunit 2; plus strand). Cytogenetic location: 16q24.3.
Variant type: single nucleotide variant.
Coding change: c.647C>T on transcript NM_001012759.3 (MANE Select); coding-DNA position 647, C replaced by T.
Protein change: p.Pro216Leu; replaces proline 216 with leucine.
Molecular consequence: missense variant.
Genome position (GRCh38, 1-based): chr16:88,712,815, C>T. VCF-style: chr16-88712815-C-T. GRCh37 (hg19) VCF-style: chr16-88779223-C-T.
Other names: c.647C>T, p.Pro216Leu (NM_001012762.3); c.860C>T, p.Pro287Leu (NM_001318507.2); c.386C>T, p.Pro129Leu (NM_001318513.2); c.647C>T (NM_001012759.2); short protein forms P216L, P287L, P129L.
Identifiers: ClinVar variation 3078890 (VCV003078890.3), dbSNP rs146775425, ClinGen allele CA8230427.